The following is an entry in ClinVar:

NM_139057.4(ADAMTS17):c.3212G>A (p.Arg1071Gln)

Gene: ADAMTS17 (ADAM metallopeptidase with thrombospondin type 1 motif 17; minus strand). Cytogenetic location: 15q26.3.
Variant type: single nucleotide variant.
Coding change: c.3212G>A on transcript NM_139057.4 (MANE Select); coding-DNA position 3212, G replaced by A.
Protein change: p.Arg1071Gln; replaces arginine 1071 with glutamine.
Molecular consequence: missense variant.
Genome position (GRCh38, 1-based): chr15:99,974,478, C>T on the plus strand (G>A on the coding strand, the complement: ADAMTS17 is on the minus strand). VCF-style: chr15-99974478-C-T. GRCh37 (hg19) VCF-style: chr15-100514683-C-T.
Other names: c.3212G>A (NM_139057.2); short protein forms R1071Q.
Identifiers: ClinVar variation 1348384 (VCV001348384.7), dbSNP rs772111759, ClinGen allele CA7757425.

ClinVar aggregate classification (germline): Uncertain significance. Review status: criteria provided, multiple submitters, no conflicts (2 of 4 stars). 2 submissions from 2 submitters: Uncertain significance (2). Last evaluated 2023-11-27.

Conditions:
Inborn genetic diseases. Identifiers: MedGen C0950123, MeSH D030342.

Allele frequency attached by ClinVar (database versions not stated): gnomAD 0.00004 and 0.00005; gnomAD exomes 0.00004 and 0.00012; TOPMed 0.00005; ExAC 0.00016.
gnomAD v4.1: 77 of 1,614,208 alleles (0.0048%); highest among the groups gnomAD compares: Middle Eastern, 0.016%; no homozygotes.

Submissions (2):

Labcorp Genetics (formerly Invitae), Labcorp
Classification: Uncertain significance. Last evaluated: 2023-11-27. Review status: criteria provided, single submitter. Criteria: Invitae Variant Classification Sherloc (09022015). Collection method: clinical testing. Allele origin: germline.
Comment: This sequence change replaces arginine, which is basic and polar, with glutamine, which is neutral and polar, at codon 1071 of the ADAMTS17 protein (p.Arg1071Gln). This variant is present in population databases (rs772111759, gnomAD 0.02%). This variant has not been reported in the literature in individuals affected with ADAMTS17-related conditions. ClinVar contains an entry for this variant (Variation ID: 1348384). An algorithm developed to predict the effect of missense changes on protein structure and function (PolyPhen-2) suggests that this variant is likely to be disruptive. In summary, the available evidence is currently insufficient to determine the role of this variant in disease. Therefore, it has been classified as a Variant of Uncertain Significance.

Ambry Genetics
Classification: Uncertain significance for Inborn genetic diseases. Last evaluated: 2023-08-22. Review status: criteria provided, single submitter. Criteria: Ambry Variant Classification Scheme 2023. Collection method: clinical testing. Allele origin: germline.